The following is an entry in ClinVar:

ClinVar aggregate classification (germline): Likely pathogenic (1 of 4 stars; one submission).

Conditions:
Neurofibromatosis, type 1 (NF1). Also called: NEUROFIBROMATOSIS, TYPE I, SOMATIC; VON RECKLINGHAUSEN DISEASE; Neurofibromatosis, type I; Peripheral type neurofibromatosis. Identifiers: Orphanet 636, MedGen C0027831, MONDO:0018975, OMIM 162200. Disease mechanism: loss of function.

Submission:

3billion
Classification: Likely pathogenic for Neurofibromatosis, type 1. Last evaluated: 2025-10-16. Review status: criteria provided, single submitter. Criteria: ACMG Guidelines, 2015. Collection method: clinical testing. Allele origin: germline. Affected: yes.
Comment: The variant is not observed in the gnomAD v4.1.0 dataset. Predicted Consequence/Location: Frameshift: predicted to result in a loss or disruption of normal protein function through nonsense-mediated decay (NMD) or protein truncation. Multiple pathogenic variants are reported downstream of the variant. Therefore, this variant is classified as Likely pathogenic according to the recommendation of ACMG/AMP guideline.

NM_001042492.3(NF1):c.4508del (p.Asn1503fs)

Gene: NF1 (neurofibromin 1; plus strand). Cytogenetic location: 17q11.2.
Variant type: Deletion.
Coding change: c.4508del on transcript NM_001042492.3 (MANE Select); coding-DNA position 4508, one base deleted (A; older notation c.4508delA).
Protein change: p.Asn1503fs; shifts the reading frame from asparagine 1503.
Molecular consequence: frameshift variant.
Genome position (GRCh38, 1-based): chr17:31,260,446, A deleted; the last of 2 consecutive A bases (chr17:31,260,445-31,260,446); deleting either gives the same sequence. VCF-style (leftmost placement, unchanged base first): chr17-31260444-CA-C. GRCh37 (hg19) VCF-style: chr17-29587462-CA-C.
Other names: c.4445del, p.Asn1482fs (NM_000267.4); short protein forms N1482fs, N1503fs.
Identifiers: ClinVar variation 4855632 (VCV004855632.1).